The following is an entry in ClinVar:

ClinVar aggregate classification (germline): Uncertain significance (1 of 4 stars; one submission).

gnomAD v4.1: 1 of 1,611,564 alleles (0.000062%); no homozygotes.

Submission:

Ambry Genetics
Classification: Uncertain significance. Last evaluated: 2022-07-12. Review status: criteria provided, single submitter. Criteria: Ambry Variant Classification Scheme 2023. Collection method: clinical testing. Allele origin: germline.
Comment: The p.K2824E variant (also known as c.8470A>G), located in coding exon 62 of the PRKDC gene, results from an A to G substitution at nucleotide position 8470. The lysine at codon 2824 is replaced by glutamic acid, an amino acid with similar properties. This amino acid position is conserved. In addition, this alteration is predicted to be tolerated by in silico analysis. Since supporting evidence is limited at this time, the clinical significance of this alteration remains unclear.

NM_006904.7(PRKDC):c.8470A>G (p.Lys2824Glu)

Gene: PRKDC (protein kinase, DNA-activated, catalytic subunit; minus strand). Cytogenetic location: 8q11.21.
Variant type: single nucleotide variant.
Coding change: c.8470A>G on transcript NM_006904.7 (MANE Select); coding-DNA position 8470, A replaced by G.
Protein change: p.Lys2824Glu; replaces lysine 2824 with glutamic acid.
Molecular consequence: missense variant.
Genome position (GRCh38, 1-based): chr8:47,828,275, T>C on the plus strand (A>G on the coding strand, the complement: PRKDC is on the minus strand). VCF-style: chr8-47828275-T-C. GRCh37 (hg19) VCF-style: chr8-48740836-T-C.
Other names: c.8470A>G, p.Lys2824Glu (NM_001081640.2); short protein forms K2824E.
Identifiers: ClinVar variation 1763511 (VCV001763511.2), dbSNP rs2551866359, ClinGen allele CA371144521.